The following is an entry in ClinVar:

ClinVar aggregate classification (germline): Uncertain significance. Review status: criteria provided, multiple submitters, no conflicts (2 of 4 stars). 3 submissions from 3 submitters: Uncertain significance (3). Last evaluated 2026-02-20.

Conditions:
Fanconi anemia (FA). Also called: Fanconi's anemia. Identifiers: Orphanet 84, MedGen C0015625, MeSH D005199, MONDO:0019391.
Fanconi anemia complementation group A (FANCA). Also called: Fanconi anemia, group A; FANCA-Related Fanconi Anemia. Identifiers: Orphanet 84, MedGen C3469521, MONDO:0009215, OMIM 227650.

Allele frequency attached by ClinVar (database versions not stated): gnomAD exomes below 0.00001.
gnomAD v4.1: 1 of 1,613,284 alleles (0.000062%); highest among the groups gnomAD compares: Admixed American, 0.0017%; no homozygotes.

Submissions (3):

St. Jude Molecular Pathology, St. Jude Children's Research Hospital
Classification: Uncertain significance for Fanconi anemia complementation group A. Last evaluated: 2026-02-20. Review status: criteria provided, single submitter. Criteria: St. Jude Assertion Criteria 2020. Collection method: clinical testing. Allele origin: germline.
Comment: The FANCA c.3513+4G>A intronic change results in a G to A substitution at the +4 position of intron 35 of the FANCA gene. Algorithms that predict the impact of sequence changes on splicing in dicate that this change may impact splicing. This variant is absent in gnomAD v2.1.1. To our knowledge, this variant has not been reported in individuals with Fanconi anemia. In summary, the evidence currently availabl e is insufficient to determine the clinical significance of this variant. It has therefore been classified as of uncertain significance.

Quest Diagnostics Nichols Institute San Juan Capistrano
Classification: Uncertain significance. Last evaluated: 2025-01-15. Review status: criteria provided, single submitter. Criteria: Quest Diagnostics criteria. Collection method: clinical testing. Allele origin: unknown.
Comment: The FANCA c.3513+4G>A variant has not been reported in individuals with FANCA-related conditions in the published literature. It also has not been reported in large, multi-ethnic general populations (Genome Aggregation Database). Analysis of this variant using software algorithms for the prediction of the effect of nucleotide changes on splicing yielded predictions that this variant does not affect FANCA mRNA splicing. Based on the available information, we are unable to determine the clinical significance of this variant.

Sema4
Classification: Uncertain significance for Fanconi anemia. Last evaluated: 2022-01-12. Review status: criteria provided, single submitter. Criteria: Sema4 Curation Guidelines. Collection method: curation. Allele origin: germline.
Comment: The FANCA c.3513+4G>A variant has not been reported in the literature to our knowledge. It was not observed in the large and broad cohorts of the Genome Aggregation Database (PMID: 32461654), and has not been reported in ClinVar. Algorithms developed to predict the effect of sequence changes on RNA splicing suggest that this variant is not likely to affect RNA splicing, though these predictions have not been confirmed by transcriptional studies. The evidence is insufficient to meet ACMG/AMP criteria for classifying the variant as benign or pathogenic. Thus, the clinical significance of this variant is currently uncertain.

NM_000135.4(FANCA):c.3513+4G>A

Gene: FANCA (FA complementation group A; minus strand). Cytogenetic location: 16q24.3.
Variant type: single nucleotide variant.
Coding change: c.3513+4G>A on transcript NM_000135.4 (MANE Select); 4 bases into the intron after coding-DNA position 3513, G replaced by A.
Molecular consequence: intron variant.
Genome position (GRCh38, 1-based): chr16:89,746,580, C>T on the plus strand (G>A on the coding strand, the complement: FANCA is on the minus strand). VCF-style: chr16-89746580-C-T. GRCh37 (hg19) VCF-style: chr16-89812988-C-T.
Other names: c.3513+4G>A (NM_000135.3, NM_001286167.3).
Identifiers: ClinVar variation 1692221 (VCV001692221.3), dbSNP rs878946193, ClinGen allele CA286624321.